The following is an entry in ClinVar:

NM_000432.4(MYL2):c.425T>C (p.Phe142Ser)

Gene: MYL2 (myosin light chain 2; minus strand). Cytogenetic location: 12q24.11.
Variant type: single nucleotide variant.
Coding change: c.425T>C on transcript NM_000432.4 (MANE Select); coding-DNA position 425, T replaced by C.
Protein change: p.Phe142Ser; replaces phenylalanine 142 with serine.
Molecular consequence: missense variant.
Genome position (GRCh38, 1-based): chr12:110,911,153, A>G on the plus strand (T>C on the coding strand, the complement: MYL2 is on the minus strand). VCF-style: chr12-110911153-A-G. GRCh37 (hg19) VCF-style: chr12-111348957-A-G.
Other names: short protein forms F142S.
Identifiers: ClinVar variation 1390290 (VCV001390290.9), dbSNP rs1414230972, ClinGen allele CA386696962.

ClinVar aggregate classification (germline): Uncertain significance. Review status: criteria provided, multiple submitters, no conflicts (2 of 4 stars). 2 submissions from 2 submitters: Uncertain significance (2). Last evaluated 2023-11-02.

Conditions:
Hypertrophic cardiomyopathy 10. Also called: CARDIOMYOPATHY, HYPERTROPHIC, MID-LEFT VENTRICULAR CHAMBER TYPE, 2; MYL2-Related Familial Hypertrophic Cardiomyopathy. Identifiers: MedGen C1834460, MONDO:0012112, OMIM 608758.
Hypertrophic cardiomyopathy. Also called: HYPERTROPHIC MYOCARDIOPATHY. Identifiers: Orphanet 217569, MedGen C0007194, MeSH D002312, MONDO:0005045, HP:0001639.

Submissions (2):

All of Us Research Program, National Institutes of Health
Classification: Uncertain significance for Hypertrophic cardiomyopathy. Last evaluated: 2023-11-02. Review status: criteria provided, single submitter. Criteria: ACMG Guidelines, 2015. Collection method: clinical testing. Allele origin: germline. Inheritance: Autosomal dominant inheritance. Observed: 1 variant allele, 1 heterozygote.
Comment: This missense variant replaces phenylalanine with serine at codon 142 of the MYL2 protein. Computational prediction is inconclusive regarding the impact of this variant on protein structure and function (internally defined REVEL score threshold 0.5 < inconclusive < 0.7, PMID: 27666373). To our knowledge, functional studies have not been reported for this variant. This variant has not been reported in individuals affected with MYL2-related disorders in the literature. This variant has not been identified in the general population by the Genome Aggregation Database (gnomAD). The available evidence is insufficient to determine the role of this variant in disease conclusively. Therefore, this variant is classified as a Variant of Uncertain Significance.

This study involves interpretation of variants in research participants for the purpose of population health screening. Participant phenotype was not available at the time of variant classification. Additional details can be found in publication PMID: 35346344, PMCID: PMC8962531

Labcorp Genetics (formerly Invitae), Labcorp
Classification: Uncertain significance for Hypertrophic cardiomyopathy 10. Last evaluated: 2022-02-05. Review status: criteria provided, single submitter. Criteria: Invitae Variant Classification Sherloc (09022015). Collection method: clinical testing. Allele origin: germline.
Comment: This variant has not been reported in the literature in individuals affected with MYL2-related conditions. In summary, the available evidence is currently insufficient to determine the role of this variant in disease. Therefore, it has been classified as a Variant of Uncertain Significance. Algorithms developed to predict the effect of missense changes on protein structure and function are either unavailable or do not agree on the potential impact of this missense change (SIFT: "Tolerated"; PolyPhen-2: "Probably Damaging"; Align-GVGD: "Class C15"). This variant is not present in population databases (gnomAD no frequency). This sequence change replaces phenylalanine, which is neutral and non-polar, with serine, which is neutral and polar, at codon 142 of the MYL2 protein (p.Phe142Ser).